The following is an entry in ClinVar:

ClinVar aggregate classification (germline): Benign. Review status: criteria provided, multiple submitters, no conflicts (2 of 4 stars). 2 submissions from 2 submitters: Benign (2). Last evaluated 2018-01-13.

Conditions:
CEDNIK syndrome. Also called: CEREBRAL DYSGENESIS, NEUROPATHY, ICHTHYOSIS, AND PALMOPLANTAR KERATODERMA SYNDROME; Cerebral dysgenesis, neuropathy, ichthyosis, and palmoplantar keratoderma. Identifiers: Orphanet 66631, MedGen C1836033, MONDO:0012290, OMIM 609528.

Allele frequency attached by ClinVar (database versions not stated): gnomAD exomes 0.00405; gnomAD 0.00548 and 0.00602; TOPMed 0.00654; 1000 Genomes Project 30x 0.01374; 1000 Genomes Project 0.01398.
gnomAD v4.1: 868 of 148,342 alleles (0.59%); highest among the groups gnomAD compares: East Asian, 5.1%; 7 homozygotes.

Submissions (2):

Illumina Laboratory Services, Illumina
Classification: Benign for CEDNIK syndrome. Last evaluated: 2018-01-13. Review status: criteria provided, single submitter. Criteria: ICSL Variant Classification Criteria 13 December 2019. Collection method: clinical testing. Allele origin: germline.
Comment: This variant was observed in the ICSL laboratory as part of a predisposition screen in an ostensibly healthy population. It had not been previously curated by ICSL or reported in the Human Gene Mutation Database (HGMD: prior to June 1st, 2018), and was therefore a candidate for classification through an automated scoring system. Utilizing variant allele frequency, disease prevalence and penetrance estimates, and inheritance mode, an automated score was calculated to assess if this variant is too frequent to cause the disease. Based on the score and internal cut-off values, a variant classified as benign is not then subjected to further curation. The score for this variant resulted in a classification of benign for this disease.

Breakthrough Genomics
Classification: Benign. Review status: criteria provided, single submitter. Criteria: ACMG Guidelines, 2015. Collection method: not provided. Allele origin: germline. Inheritance: Autosomal recessive inheritance. Affected: yes.

NM_004782.4(SNAP29):c.*2879C>T

Gene: SNAP29 (synaptosome associated protein 29; plus strand). Cytogenetic location: 22q11.21.
Variant type: single nucleotide variant.
Coding change: c.*2879C>T on transcript NM_004782.4 (MANE Select); 2879 bases downstream of the stop codon, C replaced by T.
Molecular consequence: 3 prime UTR variant.
Genome position (GRCh38, 1-based): chr22:20,890,715, C>T. VCF-style: chr22-20890715-C-T. GRCh37 (hg19) VCF-style: chr22-21245003-C-T.
Identifiers: ClinVar variation 340894 (VCV000340894.6), dbSNP rs140626919, ClinGen allele CA10653249.